The following is an entry in ClinVar:

ClinVar aggregate classification (germline): Likely benign. Review status: criteria provided, multiple submitters, no conflicts (2 of 4 stars). 2 submissions from 2 submitters: Likely benign (2). Last evaluated 2023-06-27.

Conditions:
Fanconi anemia (FA). Also called: Fanconi's anemia. Identifiers: Orphanet 84, MedGen C0015625, MeSH D005199, MONDO:0019391.

Allele frequency attached by ClinVar (database versions not stated): gnomAD exomes below 0.00001; gnomAD 0.00001.

Submissions (2):

Labcorp Genetics (formerly Invitae), Labcorp
Classification: Likely benign for Fanconi anemia. Last evaluated: 2023-06-27. Review status: criteria provided, single submitter. Criteria: Invitae Variant Classification Sherloc (09022015). Collection method: clinical testing. Allele origin: germline.

GeneDx
Classification: Likely benign. Last evaluated: 2015-11-17. Review status: criteria provided, single submitter. Criteria: GeneDx Variant Classification (06012015). Collection method: clinical testing. Allele origin: germline. Affected: yes.
Comment: This variant is considered likely benign or benign based on one or more of the following criteria: it is a conservative change, it occurs at a poorly conserved position in the protein, it is predicted to be benign by multiple in silico algorithms, and/or has population frequency not consistent with disease.

NM_000136.3(FANCC):c.-13C>T

Gene: FANCC (FA complementation group C; minus strand). Cytogenetic location: 9q22.32.
Variant type: single nucleotide variant.
Coding change: c.-13C>T on transcript NM_000136.3 (MANE Select); 13 bases upstream of the start codon, C replaced by T.
Molecular consequence: 5 prime UTR variant.
Genome position (GRCh38, 1-based): chr9:95,249,304, G>A on the plus strand (C>T on the coding strand, the complement: FANCC is on the minus strand). VCF-style: chr9-95249304-G-A. GRCh37 (hg19) VCF-style: chr9-98011586-G-A.
Other names: c.-13C>T (NM_001243743.2, NM_001243744.2).
Identifiers: ClinVar variation 381617 (VCV000381617.11), dbSNP rs1057521107, ClinGen allele CA16605577.